The following is an entry in ClinVar:

NM_032444.4(SLX4):c.595A>G (p.Ser199Gly)

Gene: SLX4 (SLX4 structure-specific endonuclease subunit; minus strand). Cytogenetic location: 16p13.3.
Variant type: single nucleotide variant.
Coding change: c.595A>G on transcript NM_032444.4 (MANE Select); coding-DNA position 595, A replaced by G.
Protein change: p.Ser199Gly; replaces serine 199 with glycine.
Molecular consequence: missense variant.
Genome position (GRCh38, 1-based): chr16:3,606,639, T>C on the plus strand (A>G on the coding strand, the complement: SLX4 is on the minus strand). VCF-style: chr16-3606639-T-C. GRCh37 (hg19) VCF-style: chr16-3656640-T-C.
Other names: short protein forms S199G.
Identifiers: ClinVar variation 1425247 (VCV001425247.6), dbSNP rs770098753, ClinGen allele CA7866813.

ClinVar aggregate classification (germline): Uncertain significance. Review status: criteria provided, multiple submitters, no conflicts (2 of 4 stars). 2 submissions from 2 submitters: Uncertain significance (2). Last evaluated 2024-05-14.

Conditions:
Fanconi anemia complementation group P. Also called: SLX4-Related Fanconi Anemia. Identifiers: Orphanet 84, MedGen C3469542, MONDO:0013499, OMIM 613951.
Fanconi anemia (FA). Also called: Fanconi's anemia. Identifiers: Orphanet 84, MedGen C0015625, MeSH D005199, MONDO:0019391.

Allele frequency attached by ClinVar (database versions not stated): gnomAD exomes below 0.00001; ExAC 0.00001; gnomAD 0.00001; TOPMed 0.00002.
gnomAD v4.1: 65 of 1,614,088 alleles (0.004%); highest among the groups gnomAD compares: Non-Finnish European, 0.0054%; no homozygotes.

Submissions (2):

Fulgent Genetics
Classification: Uncertain significance for Fanconi anemia complementation group P. Last evaluated: 2024-05-14. Review status: criteria provided, single submitter. Criteria: ACMG Guidelines, 2015. Collection method: clinical testing. Allele origin: germline.

Labcorp Genetics (formerly Invitae), Labcorp
Classification: Uncertain significance for Fanconi anemia. Last evaluated: 2022-09-13. Review status: criteria provided, single submitter. Criteria: Invitae Variant Classification Sherloc (09022015). Collection method: clinical testing. Allele origin: germline.
Comment: This variant is present in population databases (rs770098753, gnomAD 0.002%). This variant has not been reported in the literature in individuals affected with SLX4-related conditions. ClinVar contains an entry for this variant (Variation ID: 1425247). Algorithms developed to predict the effect of missense changes on protein structure and function are either unavailable or do not agree on the potential impact of this missense change (SIFT: "Tolerated"; PolyPhen-2: "Possibly Damaging"; Align-GVGD: "Class C0"). In summary, the available evidence is currently insufficient to determine the role of this variant in disease. Therefore, it has been classified as a Variant of Uncertain Significance. This sequence change replaces serine, which is neutral and polar, with glycine, which is neutral and non-polar, at codon 199 of the SLX4 protein (p.Ser199Gly).